The following is an entry in ClinVar:

ClinVar aggregate classification (germline): Uncertain significance (0 of 4 stars; one submission).

Conditions:
KIDINS220-related disorder. Also called: KIDINS220-related condition.

Submission:

PreventionGenetics, part of Exact Sciences
Classification: Uncertain significance for KIDINS220-related condition. Last evaluated: 2024-09-18. Review status: no assertion criteria provided. Collection method: clinical testing. Allele origin: germline.
Comment: The KIDINS220 c.1667G>T variant is predicted to result in the amino acid substitution p.Trp556Leu. To our knowledge, this variant has not been reported in the literature or in a large population database, indicating this variant is rare. At this time, the clinical significance of this variant is uncertain due to the absence of conclusive functional and genetic evidence.

NM_020738.4(KIDINS220):c.1667G>T (p.Trp556Leu)

Gene: KIDINS220 (kinase D interacting substrate 220; minus strand). Cytogenetic location: 2p25.1.
Variant type: single nucleotide variant.
Coding change: c.1667G>T on transcript NM_020738.4 (MANE Select); coding-DNA position 1667, G replaced by T.
Protein change: p.Trp556Leu; replaces tryptophan 556 with leucine.
Molecular consequence: missense variant. On other transcripts: non-coding transcript variant (2).
Genome position (GRCh38, 1-based): chr2:8,788,767, C>A on the plus strand (G>T on the coding strand, the complement: KIDINS220 is on the minus strand). VCF-style: chr2-8788767-C-A. GRCh37 (hg19) VCF-style: chr2-8928897-C-A.
Other names: c.1670G>T, p.Trp557Leu (NM_001348729.2, NM_001348731.2, NM_001348734.2 and 3 more transcripts); c.1667G>T, p.Trp556Leu (NM_001348732.2, NM_001348735.2, NM_001348738.2 and 3 more transcripts); c.1541G>T, p.Trp514Leu (NM_001348736.2); short protein forms W514L, W556L, W557L.
Identifiers: ClinVar variation 3344700 (VCV003344700.1).